The following is an entry in ClinVar:

ClinVar aggregate classification (germline): Uncertain significance (1 of 4 stars; one submission).

Submission:

Labcorp Genetics (formerly Invitae), Labcorp
Classification: Uncertain significance. Last evaluated: 2024-09-27. Review status: criteria provided, single submitter. Criteria: Invitae Variant Classification Sherloc (09022015). Collection method: clinical testing. Allele origin: germline.
Comment: This sequence change replaces valine, which is neutral and non-polar, with phenylalanine, which is neutral and non-polar, at codon 355 of the SUCLG2 protein (p.Val355Phe). This variant is not present in population databases (gnomAD no frequency). This variant has not been reported in the literature in individuals affected with SUCLG2-related conditions. An algorithm developed to predict the effect of missense changes on protein structure and function (PolyPhen-2) suggests that this variant is likely to be disruptive. In summary, the available evidence is currently insufficient to determine the role of this variant in disease. Therefore, it has been classified as a Variant of Uncertain Significance.

NM_003848.4(SUCLG2):c.1063G>T (p.Val355Phe)

Gene: SUCLG2 (succinate-CoA ligase GDP-forming subunit beta; minus strand). Cytogenetic location: 3p14.1.
Variant type: single nucleotide variant.
Coding change: c.1063G>T on transcript NM_003848.4 (MANE Select); coding-DNA position 1063, G replaced by T.
Protein change: p.Val355Phe; replaces valine 355 with phenylalanine.
Molecular consequence: missense variant.
Genome position (GRCh38, 1-based): chr3:67,400,851, C>A on the plus strand (G>T on the coding strand, the complement: SUCLG2 is on the minus strand). VCF-style: chr3-67400851-C-A. GRCh37 (hg19) VCF-style: chr3-67451275-C-A.
Other names: c.1063G>T, p.Val355Phe (NM_001177599.2); short protein forms V355F.
Identifiers: ClinVar variation 3617972 (VCV003617972.2).